The following is an entry in ClinVar:

NM_001291415.2(KDM6A):c.2257_2260dup (p.His754fs)

Gene: KDM6A (lysine demethylase 6A; plus strand). Cytogenetic location: Xp11.3.
Variant type: Microsatellite.
Coding change: c.2257_2260dup on transcript NM_001291415.2 (MANE Select); coding-DNA positions 2257 to 2260, 4 bases duplicated (TCTC; older notation c.2257_2260dupTCTC).
Protein change: p.His754fs; shifts the reading frame from histidine 754.
Molecular consequence: frameshift variant. On other transcripts: non-coding transcript variant (1).
Genome position (GRCh38, 1-based): chrX:45,069,756-45,069,759, TCTC duplicated; duplicating any 4 consecutive bases within chrX:45,069,755-45,069,759 gives the same sequence; the c. name uses the placement nearest the transcript's 3' end. VCF-style (leftmost placement, unchanged base first): chrX-45069754-C-CCTCT. GRCh37 (hg19) VCF-style: chrX-44928999-C-CCTCT.
Other names: c.1213_1216dup, p.His406fs (NM_001291421.2); c.2101_2104dup, p.His702fs (NM_021140.4); c.2122_2125dup, p.His709fs (NM_001291416.2); c.1966_1969dup, p.His657fs (NM_001291417.2); c.1864_1867dup, p.His623fs (NM_001291418.2); short protein forms H702fs, H709fs, H754fs, H406fs, H623fs, H657fs.
Identifiers: ClinVar variation 471947 (VCV000471947.6), dbSNP rs1556328781, ClinGen allele CA658658979.
Genomic context (GRCh38, chrX:45,069,754, plus strand): 5'-ACGGACATCCCACCCTGCCTAGCAATTCAGTAACACAGGGGGCTGCTCTCAATCACCTCT[C>CCTCT]CTCTCACACTGCTACCTCAGGTGGACAACAAGGCATTACCTTAACCAAAGAGAGCAAGCC-3'

ClinVar aggregate classification (germline): Pathogenic (1 of 4 stars; one submission).

Conditions:
Kabuki syndrome 2 (KABUK2). Also called: KDM6A-Related Kabuki Syndrome. Identifiers: Orphanet 2322, MedGen C3275495, MONDO:0010465, OMIM 300867.

Submission:

Labcorp Genetics (formerly Invitae), Labcorp
Classification: Pathogenic for Kabuki syndrome 2. Last evaluated: 2017-04-01. Review status: criteria provided, single submitter. Criteria: Invitae Variant Classification Sherloc (09022015). Collection method: clinical testing. Allele origin: germline.
Comment: For these reasons, this variant has been classified as Pathogenic. While this particular variant has not been reported in the literature, loss-of-function variants in KDM6A are known to be pathogenic (PMID: 23076834). This sequence change inserts 4 nucleotides in exon 17 of the KDM6A mRNA (c.2101_2104dupTCTC), causing a frameshift at codon 702. This creates a premature translational stop signal (p.His702Leufs*29) and is expected to result in an absent or disrupted protein product.

Literature cited by the submitters: PubMed 23076834.